The following is an entry in ClinVar:

ClinVar aggregate classification (germline): Likely benign (0 of 4 stars; one submission).

Conditions:
BRDT-related disorder. Also called: BRDT-related condition.

Allele frequency attached by ClinVar (database versions not stated): gnomAD 0.00012; gnomAD exomes 0.00015; TOPMed 0.00015; ESP Exome Variant Server 0.00016; ExAC 0.00020.
gnomAD v4.1: 220 of 1,507,526 alleles (0.015%); highest among the groups gnomAD compares: Non-Finnish European, 0.019%; no homozygotes.

Submission:

PreventionGenetics, part of Exact Sciences
Classification: Likely benign for BRDT-related condition. Last evaluated: 2019-07-16. Review status: no assertion criteria provided. Collection method: clinical testing. Allele origin: germline.
Comment: This variant is classified as likely benign based on ACMG/AMP sequence variant interpretation guidelines (Richards et al. 2015 PMID: 25741868, with internal and published modifications).

NM_207189.4(BRDT):c.2003-5T>G

Gene: BRDT (bromodomain testis associated; plus strand). Cytogenetic location: 1p22.1.
Variant type: single nucleotide variant.
Coding change: c.2003-5T>G on transcript NM_207189.4 (MANE Select); 5 bases into the intron before coding-DNA position 2003, T replaced by G.
Molecular consequence: intron variant.
Genome position (GRCh38, 1-based): chr1:91,991,179, T>G. VCF-style: chr1-91991179-T-G. GRCh37 (hg19) VCF-style: chr1-92456736-T-G.
Other names: c.1784-5T>G (NM_001242810.2); c.2003-5T>G (NM_001242805.2, NM_001726.4); c.2015-5T>G (NM_001242806.2); c.1865-5T>G (NM_001242808.2, NM_001242807.2).
Identifiers: ClinVar variation 3049601 (VCV003049601.2), dbSNP rs371876510, ClinGen allele CA948812.